The following is an entry in ClinVar:

NM_000069.3(CACNA1S):c.2555C>T (p.Thr852Met)

Gene: CACNA1S (calcium voltage-gated channel subunit alpha1 S; minus strand). Cytogenetic location: 1q32.1.
Variant type: single nucleotide variant.
Coding change: c.2555C>T on transcript NM_000069.3 (MANE Select); coding-DNA position 2555, C replaced by T.
Protein change: p.Thr852Met; replaces threonine 852 with methionine.
Molecular consequence: missense variant.
Genome position (GRCh38, 1-based): chr1:201,066,989, G>A on the plus strand (C>T on the coding strand, the complement: CACNA1S is on the minus strand). VCF-style: chr1-201066989-G-A. GRCh37 (hg19) VCF-style: chr1-201036117-G-A.
Other names: short protein forms T852M.
Identifiers: ClinVar variation 1009905 (VCV001009905.8), dbSNP rs200334886, ClinGen allele CA079080.
Genomic context (GRCh38, chr1:201,066,989, plus strand): 5'-TCCAGCATGTTGAAGTAATTGCGGCAGAAGGAACCCTTGTGCAGGAAGGCTCCGTAGGTC[G>A]TCATCTGGGGAGAAAGAGGCAGCAGCCTGGATGGAGGAGCTTGGAGAACAGGCCTGTCTC-3'
Protein context (NP_000060.2, residues 842-862): VFTVEIVLKM[Thr852Met]TYGAFLHKGS

ClinVar aggregate classification (germline): Conflicting classifications of pathogenicity. Review status: criteria provided, conflicting classifications (1 of 4 stars). 3 submissions from 3 submitters: Uncertain significance (2); Likely benign (1). Last evaluated 2025-09-09.

Conditions:
Malignant hyperthermia, susceptibility to, 5 (MHS5). Also called: CACNA1S-Related Malignant Hyperthermia Susceptibility. Identifiers: Orphanet 423, MedGen C1866077, MONDO:0011163, OMIM 601887.
Hypokalemic periodic paralysis, type 1. Also called: HypoPP; Hypokalemic Periodic Paralysis Type 1 (AD). Identifiers: Orphanet 681, MedGen C3714580, MONDO:0042979, OMIM 170400.
Thyrotoxic periodic paralysis, susceptibility to, 1 (TTPP1). Identifiers: Orphanet 79102, MedGen C2749982, MONDO:0008570, OMIM 188580.
Congenital myopathy 18. Also called: Myopathy, congenital, due to dihydropyridine receptor defect; DIHYDROPYRIDINE RECEPTOR CONGENITAL MYOPATHY; DHPR CONGENITAL MYOPATHY. Identifiers: MedGen C5830283, MONDO:0859514, OMIM 620246.

Allele frequency attached by ClinVar (database versions not stated): TOPMed 0.00002; gnomAD exomes 0.00006 and 0.00013; ESP Exome Variant Server 0.00008; gnomAD 0.00010; ExAC 0.00015.
gnomAD v4.1: 103 of 1,610,824 alleles (0.0064%); highest among the groups gnomAD compares: South Asian, 0.0066%; no homozygotes.

Submissions (3):

Color Diagnostics, LLC DBA Color Health
Classification: Uncertain significance for Malignant hyperthermia, susceptibility to, 5. Last evaluated: 2025-09-09. Review status: criteria provided, single submitter. Criteria: ACMG Guidelines, 2015. Collection method: clinical testing. Allele origin: germline.
Comment: This missense variant replaces threonine with methionine at codon 852 of the CACNA1S protein. Computational prediction suggests that this variant may have deleterious impact on protein structure and function. To our knowledge, functional studies have not been reported for this variant. This variant has been reported in an individual affected with malignant hyperthermia susceptibility (PMID: 28326467). This variant has been identified in 38/281730 chromosomes in the general population by the Genome Aggregation Database (gnomAD). The available evidence is insufficient to determine the role of this variant in disease conclusively. Therefore, this variant is classified as a Variant of Uncertain Significance.

Labcorp Genetics (formerly Invitae), Labcorp
Classification: Likely benign for Hypokalemic periodic paralysis, type 1; Malignant hyperthermia, susceptibility to, 5. Last evaluated: 2025-08-06. Review status: criteria provided, single submitter. Criteria: Invitae Variant Classification Sherloc (09022015). Collection method: clinical testing. Allele origin: germline.

Fulgent Genetics
Classification: Uncertain significance for Hypokalemic periodic paralysis, type 1; Thyrotoxic periodic paralysis, susceptibility to, 1; Malignant hyperthermia, susceptibility to, 5; Congenital myopathy 18. Last evaluated: 2024-06-04. Review status: criteria provided, single submitter. Criteria: ACMG Guidelines, 2015. Collection method: clinical testing. Allele origin: germline.

Literature cited by the submitters: PubMed 28326467 (cited by Color Diagnostics, LLC DBA Color Health).